The following is an entry in ClinVar:

ClinVar aggregate classification (germline): Uncertain significance. Review status: criteria provided, multiple submitters, no conflicts (2 of 4 stars). 2 submissions from 2 submitters: Uncertain significance (2). Last evaluated 2022-10-21.

Submissions (2):

Labcorp Genetics (formerly Invitae), Labcorp
Classification: Uncertain significance. Last evaluated: 2022-10-21. Review status: criteria provided, single submitter. Criteria: Invitae Variant Classification Sherloc (09022015). Collection method: clinical testing. Allele origin: germline.
Comment: This variant is not present in population databases (gnomAD no frequency). This sequence change replaces glutamic acid, which is acidic and polar, with lysine, which is basic and polar, at codon 261 of the GHR protein (p.Glu261Lys). This variant has not been reported in the literature in individuals affected with GHR-related conditions. ClinVar contains an entry for this variant (Variation ID: 451004). Advanced modeling of protein sequence and biophysical properties (such as structural, functional, and spatial information, amino acid conservation, physicochemical variation, residue mobility, and thermodynamic stability) performed at Invitae indicates that this missense variant is not expected to disrupt GHR protein function. In summary, the available evidence is currently insufficient to determine the role of this variant in disease. Therefore, it has been classified as a Variant of Uncertain Significance.

GeneDx
Classification: Uncertain significance. Last evaluated: 2018-05-03. Review status: criteria provided, single submitter. Criteria: GeneDx Variant Classification (06012015). Collection method: clinical testing. Allele origin: germline. Affected: yes.
Comment: The E261K variant in the GHR gene has not been reported previously as a pathogenic variant, nor as a benign variant, to our knowledge. The E261K variant is not observed in large population cohorts (Lek et al., 2016; 1000 Genomes Consortium et al., 2015; Exome Variant Server). The E261K variant is a non-conservative amino acid substitution, which is likely to impact secondary protein structure as these residues differ in polarity, charge, size and/or other properties. This substitution occurs at a position that is conserved across species. In silico analysis is inconsistent in its predictions as to whether or not the variant is damaging to the protein structure/function. We interpret E261K as a variant of uncertain significance.

NM_000163.5(GHR):c.781G>A (p.Glu261Lys)

Gene: GHR (growth hormone receptor; plus strand). Cytogenetic location: 5p12.
Variant type: single nucleotide variant.
Coding change: c.781G>A on transcript NM_000163.5 (MANE Select); coding-DNA position 781, G replaced by A.
Protein change: p.Glu261Lys; replaces glutamic acid 261 with lysine.
Molecular consequence: missense variant.
Genome position (GRCh38, 1-based): chr5:42,711,369, G>A. VCF-style: chr5-42711369-G-A. GRCh37 (hg19) VCF-style: chr5-42711471-G-A.
Other names: c.715G>A, p.Glu239Lys (NM_001242460.2); c.781G>A, p.Glu261Lys (NM_001242462.1, NM_001242401.4, NM_001242402.2 and 5 more transcripts); c.802G>A, p.Glu268Lys (NM_001242399.2); short protein forms E261K, E268K, E239K.
Identifiers: ClinVar variation 451004 (VCV000451004.8), dbSNP rs1554040124, ClinGen allele CA359696138.
Genomic context (GRCh38, chr5:42,711,369, plus strand): 5'-GGCGAGTTCAGTGAGGTGCTCTATGTAACACTTCCTCAGATGAGCCAATTTACATGTGAA[G>A]AAGGTAAAAGAAATAAAAGATTAAAATAGTAGCTAACCTGGCTTTTGTCAATATAACAGT-3'
Protein context (NP_000154.1, residues 251-271): LPQMSQFTCE[Glu261Lys]DFYFPWLLII